The following is an entry in ClinVar:

NM_007294.4(BRCA1):c.738G>A (p.Leu246=)

Gene: BRCA1 (BRCA1 DNA repair associated; minus strand). Cytogenetic location: 17q21.31.
Variant type: single nucleotide variant.
Coding change: c.738G>A on transcript NM_007294.4 (MANE Select); coding-DNA position 738, G replaced by A.
Protein change: p.Leu246=; no amino-acid change (leucine 246 retained).
Molecular consequence: synonymous variant. On other transcripts: 5 prime UTR variant (2), intron variant (13).
Genome position (GRCh38, 1-based): chr17:43,094,793, C>T on the plus strand (G>A on the coding strand, the complement: BRCA1 is on the minus strand). VCF-style: chr17-43094793-C-T. GRCh37 (hg19) VCF-style: chr17-41246810-C-T.
Other names: c.738G>A, p.Leu246= (NM_001407640.1, NM_001407641.1, NM_001407642.1 and 54 more transcripts); c.735G>A, p.Leu245= (NM_001407644.1, NM_001407645.1, NM_001407860.1 and 38 more transcripts); c.729G>A, p.Leu243= (NM_001407646.1, NM_001407647.1, NM_001408408.1); c.615G>A, p.Leu205= (NM_001407648.1, NM_001407664.1, NM_001407665.1 and 34 more transcripts); c.612G>A, p.Leu204= (NM_001407649.1, NM_001407670.1, NM_001407671.1 and 20 more transcripts); c.660G>A, p.Leu220= (NM_001407653.1, NM_001407654.1, NM_001407655.1 and 9 more transcripts); c.657G>A, p.Leu219= (NM_001407659.1, NM_001407660.1, NM_001407661.1 and 3 more transcripts); c.597G>A, p.Leu199= (NM_001407692.1, NM_001407694.1, NM_001407695.1 and 43 more transcripts); and 20 more.
Identifiers: ClinVar variation 240830 (VCV000240830.12), dbSNP rs768416164, ClinGen allele CA10583586.

ClinVar aggregate classification (germline): Likely benign. Review status: reviewed by expert panel (3 of 4 stars). 2 submissions from 2 submitters: Likely benign (1). 1 of the submissions does not count toward it. Last evaluated 2017-06-29.

Conditions:
Hereditary breast ovarian cancer syndrome. Also called: Hereditary breast and ovarian cancer syndrome (HBOC); Breast and ovarian cancer; Hereditary breast and ovarian cancer syndrome; Hereditary breast and ovarian cancer; BRCA1- and BRCA2-Associated Hereditary Breast and Ovarian Cancer; Hereditary breast and/or ovarian cancer syndrome. Identifiers: Orphanet 145, MedGen C0677776, MeSH D061325, MONDO:0003582. Disease mechanism: loss of function.
Breast-ovarian cancer, familial, susceptibility to, 1 (BROVCA1). Also called: BRCA1 Hereditary Breast and Ovarian Cancer; OVARIAN CANCER, SUSCEPTIBILITY TO. Identifiers: Orphanet 145, MedGen C2676676, MONDO:0011450, OMIM 604370. Disease mechanism: loss of function.

Submissions (2):

Evidence-based Network for the Interpretation of Germline Mutant Alleles (ENIGMA)
Classification: Likely benign for Breast-ovarian cancer, familial, susceptibility to, 1. Last evaluated: 2017-06-29. Review status: reviewed by expert panel. Criteria: ENIGMA BRCA1/2 Classification Criteria (2017-06-29). Collection method: curation. Allele origin: germline.
Comment: Synonymous substitution variant, with low bioinformatic likelihood to result in a splicing aberration (Splicing prior probability 0.04).

Labcorp Genetics (formerly Invitae), Labcorp
Classification: Likely benign for Hereditary breast ovarian cancer syndrome. Last evaluated: 2025-06-29. Review status: criteria provided, single submitter. Criteria: Invitae Variant Classification Sherloc (09022015). Collection method: clinical testing. Allele origin: germline. Not counted in ClinVar's aggregate classification.